The following is an entry in ClinVar:

NM_001142800.2(EYS):c.2733T>C (p.Asn911=)

Gene: EYS (EGF-like photoreceptor maintenance factor; minus strand). Cytogenetic location: 6q12.
Variant type: single nucleotide variant.
Coding change: c.2733T>C on transcript NM_001142800.2 (MANE Select); coding-DNA position 2733, T replaced by C.
Protein change: p.Asn911=; no amino-acid change (asparagine 911 retained).
Molecular consequence: synonymous variant.
Genome position (GRCh38, 1-based): chr6:64,902,409, A>G on the plus strand (T>C on the coding strand, the complement: EYS is on the minus strand). VCF-style: chr6-64902409-A-G. GRCh37 (hg19) VCF-style: chr6-65612302-A-G.
Other names: p.N911N:AAT>AAC; c.2733T>C (FM209056.1); c.2733T>C, p.Asn911= (NM_001292009.2).
Identifiers: ClinVar variation 137272 (VCV000137272.30), dbSNP rs75634595, ClinGen allele CA290803.

ClinVar aggregate classification (germline): Benign/Likely benign. Review status: criteria provided, multiple submitters, no conflicts (2 of 4 stars). 9 submissions from 9 submitters: Benign (6); Likely benign (2). 1 of the submissions does not count toward it. Last evaluated 2026-02-04.

Conditions:
Retinal dystrophy. Also called: Inherited retinal dystrophy. Identifiers: Orphanet 71862, MedGen C0854723, MeSH D058499, MONDO:0019118, HP:0000556.
Retinitis pigmentosa (RP). Identifiers: Orphanet 791, MedGen C0035334, MeSH D012174, MONDO:0019200, OMIM 268000. Inheritance: Autosomal dominant, autosomal recessive and X linked inheritance.
Retinitis pigmentosa 25 (RP25). Identifiers: Orphanet 791, MedGen C1864446, MONDO:0011272, OMIM 602772.

Allele frequency attached by ClinVar (database versions not stated): 1000 Genomes Project 0.01617; 1000 Genomes Project 30x 0.01655; gnomAD 0.01917 and 0.01971; TOPMed 0.01930; ESP Exome Variant Server 0.02146; gnomAD exomes 0.02549 and 0.02618; ExAC 0.03587.
gnomAD v4.1: 38,532 of 1,537,386 alleles (2.5%); highest among the groups gnomAD compares: Middle Eastern, 6.7%; 659 homozygotes.

Submissions (9):

Labcorp Genetics (formerly Invitae), Labcorp
Classification: Benign. Last evaluated: 2026-02-04. Review status: criteria provided, single submitter. Criteria: Invitae Variant Classification Sherloc (09022015). Collection method: clinical testing. Allele origin: germline.

Women's Health and Genetics/Laboratory Corporation of America, LabCorp
Classification: Benign. Last evaluated: 2026-01-19. Review status: criteria provided, single submitter. Criteria: LabCorp Variant Classification Summary - May 2015. Collection method: clinical testing. Allele origin: germline.

ARUP Laboratories, Molecular Genetics and Genomics, ARUP Laboratories
Classification: Benign for Retinitis pigmentosa 25. Last evaluated: 2023-11-29. Review status: criteria provided, single submitter. Criteria: ARUP Molecular Germline Variant Investigation Process 2024. Collection method: clinical testing. Allele origin: germline.

Dept Of Ophthalmology, Nagoya University
Classification: Benign for Retinal dystrophy. Last evaluated: 2023-10-01. Review status: criteria provided, single submitter. Criteria: Submitter's publication. Collection method: research. Allele origin: germline. Affected: yes.

Genome-Nilou Lab
Classification: Benign for Retinitis pigmentosa 25. Last evaluated: 2021-06-10. Review status: criteria provided, single submitter. Criteria: ACMG Guidelines, 2015. Collection method: clinical testing. Allele origin: germline. Affected: no.

Illumina Laboratory Services, Illumina
Classification: Likely benign for Retinitis pigmentosa. Last evaluated: 2018-01-13. Review status: criteria provided, single submitter. Criteria: ICSL Variant Classification Criteria 13 December 2019. Collection method: clinical testing. Allele origin: germline.
Comment: This variant was observed in the ICSL laboratory as part of a predisposition screen in an ostensibly healthy population. It had not been previously curated by ICSL or reported in the Human Gene Mutation Database (HGMD: prior to June 1st, 2018), and was therefore a candidate for classification through an automated scoring system. Utilizing variant allele frequency, disease prevalence and penetrance estimates, and inheritance mode, an automated score was calculated to assess if this variant is too frequent to cause the disease. Based on the score and internal cut-off values, a variant classified as likely benign is not then subjected to further curation. The score for this variant resulted in a classification of likely benign for this disease.

GeneDx
Classification: Benign. Last evaluated: 2011-07-14. Review status: criteria provided, single submitter. Criteria: GeneDx Variant Classification (06012015). Collection method: clinical testing. Allele origin: germline. Affected: yes.
Comment: This variant is considered likely benign or benign based on one or more of the following criteria: it is a conservative change, it occurs at a poorly conserved position in the protein, it is predicted to be benign by multiple in silico algorithms, and/or has population frequency not consistent with disease.

Breakthrough Genomics
Classification: Likely benign. Review status: criteria provided, single submitter. Criteria: ACMG Guidelines, 2015. Collection method: not provided. Allele origin: germline. Inheritance: Autosomal recessive inheritance. Affected: yes.

Natera, Inc.
Classification: Benign for Retinitis pigmentosa. Last evaluated: 2020-09-16. Review status: no assertion criteria provided. Collection method: clinical testing. Allele origin: germline. Not counted in ClinVar's aggregate classification.